The following is an entry in ClinVar:

ClinVar aggregate classification (germline): Uncertain significance. Review status: criteria provided, multiple submitters, no conflicts (2 of 4 stars). 2 submissions from 2 submitters: Uncertain significance (2). Last evaluated 2022-12-28.

Conditions:
Chédiak-Higashi syndrome (CHS). Also called: Chediak-Higashi Syndrome. Identifiers: Orphanet 167, MedGen C0007965, MONDO:0008963, OMIM 214500.
Inborn genetic diseases. Identifiers: MedGen C0950123, MeSH D030342.

Allele frequency attached by ClinVar (database versions not stated): gnomAD exomes below 0.00001; gnomAD 0.00001.
gnomAD v4.1: 4 of 1,613,598 alleles (0.00025%); highest among the groups gnomAD compares: East Asian, 0.0022%; no homozygotes.

Submissions (2):

Ambry Genetics
Classification: Uncertain significance for Inborn genetic diseases. Last evaluated: 2022-12-28. Review status: criteria provided, single submitter. Criteria: Ambry Variant Classification Scheme 2023. Collection method: clinical testing. Allele origin: germline.

Labcorp Genetics (formerly Invitae), Labcorp
Classification: Uncertain significance for Chédiak-Higashi syndrome. Last evaluated: 2020-12-04. Review status: criteria provided, single submitter. Criteria: Invitae Variant Classification Sherloc (09022015). Collection method: clinical testing. Allele origin: germline.
Comment: This variant is not present in population databases (ExAC no frequency). This sequence change replaces arginine with cysteine at codon 2611 of the LYST protein (p.Arg2611Cys). The arginine residue is moderately conserved and there is a large physicochemical difference between arginine and cysteine. This variant has not been reported in the literature in individuals with LYST-related conditions. In summary, the available evidence is currently insufficient to determine the role of this variant in disease. Therefore, it has been classified as a Variant of Uncertain Significance. Algorithms developed to predict the effect of missense changes on protein structure and function are either unavailable or do not agree on the potential impact of this missense change (SIFT: "Deleterious"; PolyPhen-2: "Possibly Damaging"; Align-GVGD: "Class C0").

NM_000081.4(LYST):c.7831C>T (p.Arg2611Cys)

Gene: LYST (lysosomal trafficking regulator; minus strand). Cytogenetic location: 1q42.3.
Variant type: single nucleotide variant.
Coding change: c.7831C>T on transcript NM_000081.4 (MANE Select); coding-DNA position 7831, C replaced by T.
Protein change: p.Arg2611Cys; replaces arginine 2611 with cysteine.
Molecular consequence: missense variant.
Genome position (GRCh38, 1-based): chr1:235,746,477, G>A on the plus strand (C>T on the coding strand, the complement: LYST is on the minus strand). VCF-style: chr1-235746477-G-A. GRCh37 (hg19) VCF-style: chr1-235909777-G-A.
Other names: c.7831C>T, p.Arg2611Cys (NM_001301365.1); c.7831C>T (NM_000081.2); short protein forms R2611C.
Identifiers: ClinVar variation 1445003 (VCV001445003.6), dbSNP rs1572133567, ClinGen allele CA344927672.